The following is an entry in ClinVar:

NM_152419.3(HGSNAT):c.1359C>G (p.Tyr453Ter)

Gene: HGSNAT (heparan-alpha-glucosaminide N-acetyltransferase; plus strand). Cytogenetic location: 8p11.21.
Variant type: single nucleotide variant.
Coding change: c.1359C>G on transcript NM_152419.3 (MANE Select); coding-DNA position 1359, C replaced by G.
Protein change: p.Tyr453Ter; replaces tyrosine 453 with a stop codon.
Molecular consequence: nonsense.
Genome position (GRCh38, 1-based): chr8:43,192,412, C>G. VCF-style: chr8-43192412-C-G. GRCh37 (hg19) VCF-style: chr8-43047555-C-G.
Other names: c.1359C>G, p.Tyr453Ter (NM_001363227.2); c.1167C>G, p.Tyr389Ter (NM_001363228.2); c.495C>G, p.Tyr165Ter (NM_001363229.2); short protein forms Y165*, Y389*, Y453*.
Identifiers: ClinVar variation 5014017 (VCV005014017.1).

ClinVar aggregate classification (germline): Pathogenic (1 of 4 stars; one submission).

Conditions:
Mucopolysaccharidosis, MPS-III-C (MPS3C). Also called: MPS III C; MUCOPOLYSACCHARIDOSIS, TYPE IIIC; Mucopolysaccharidosis type IIIC (Sanfilippo C); mucopolysaccharidosis type 3C; MPS IIIC (Sanfilippo Syndrome Type C); SANFILIPPO SYNDROME C. Identifiers: Orphanet 581, Orphanet 79271, MedGen C0086649, MONDO:0009657, OMIM 252930.

Submission:

Myriad Genetics, Inc.
Classification: Pathogenic for Mucopolysaccharidosis, MPS-III-C. Last evaluated: 2025-01-25. Review status: criteria provided, single submitter. Criteria: Myriad Autosomal Dominant, Autosomal Recessive and X-Linked Classification Criteria (2023). Collection method: clinical testing. Allele origin: unknown.
Comment: NM_152419.2(HGSNAT):c.1359C>G(Y453*) is expected to be pathogenic in the context of mucopolysaccharidosis type IIIC. This variant is predicted to lead to an abnormal or absent protein product due to the creation of a premature termination codon in HGSNAT, a gene where loss-of-function variants are known to be pathogenic. Please note: this variant was assessed in the context of healthy population screening.